The following is an entry in ClinVar:

NM_001197104.2(KMT2A):c.10676_10677del (p.Lys3559fs)

Gene: KMT2A (lysine methyltransferase 2A; plus strand). Cytogenetic location: 11q23.3.
Variant type: Deletion.
Coding change: c.10676_10677del on transcript NM_001197104.2 (MANE Select); coding-DNA positions 10676 to 10677, 2 bases deleted (AA; older notation c.10676_10677delAA).
Protein change: p.Lys3559fs; shifts the reading frame from lysine 3559.
Molecular consequence: frameshift variant.
Genome position (GRCh38, 1-based): chr11:118,506,568-118,506,569, AA deleted; deleting any 2 consecutive bases within chr11:118,506,567-118,506,569 gives the same sequence; the c. name uses the placement nearest the transcript's 3' end. VCF-style (leftmost placement, unchanged base first): chr11-118506566-CAA-C. GRCh37 (hg19) VCF-style: chr11-118377281-CAA-C.
Other names: c.10766_10767del, p.Lys3589fs (NM_001412597.1); c.10667_10668del, p.Lys3556fs (NM_005933.4); short protein forms K3556fs, K3559fs, K3589fs.
Identifiers: ClinVar variation 4056549 (VCV004056549.2).

ClinVar aggregate classification (germline): Likely pathogenic. Review status: criteria provided, multiple submitters, no conflicts (2 of 4 stars). 2 submissions from 2 submitters: Likely pathogenic (2). Last evaluated 2025-03-28.

Conditions:
Wiedemann-Steiner syndrome (WDSTS). Also called: Growth deficiency and mental retardation with facial dysmorphism. Identifiers: Orphanet 319182, MedGen C1854630, MONDO:0011518, OMIM 605130.

Submissions (2):

Laboratorio de Genetica e Diagnostico Molecular, Hospital Israelita Albert Einstein
Classification: Likely pathogenic for Wiedemann-Steiner syndrome. Last evaluated: 2025-03-28. Review status: criteria provided, single submitter. Criteria: ACMG Guidelines, 2015. Collection method: clinical testing. Allele origin: germline. Affected: yes.
Comment: ACMG classification criteria: PVS1 very strong, PM2 supporting

Juno Genomics, Hangzhou Juno Genomics, Inc
Classification: Likely pathogenic for Wiedemann-Steiner syndrome. Review status: criteria provided, single submitter. Criteria: ACMG Guidelines, 2015. Collection method: clinical testing. Allele origin: germline. Affected: yes.
Comment: Absent from controls (or at extremely low frequency if recessive) in Genome Aggregation Database, Exome Sequencing Project, 1000 Genomes Project, or Exome Aggregation Consortium.;Null variant in a gene where loss of function (LOF) is a known mechanism of disease.